The following is an entry in ClinVar:

NM_001042492.3(NF1):c.5620del (p.Tyr1874fs)

Gene: NF1 (neurofibromin 1; plus strand). Cytogenetic location: 17q11.2.
Variant type: Deletion.
Coding change: c.5620del on transcript NM_001042492.3 (MANE Select); coding-DNA position 5620, one base deleted (T; older notation c.5620delT).
Protein change: p.Tyr1874fs; shifts the reading frame from tyrosine 1874.
Molecular consequence: frameshift variant.
Genome position (GRCh38, 1-based): chr17:31,330,306, T deleted. VCF-style (leftmost placement, unchanged base first): chr17-31330305-CT-C. GRCh37 (hg19) VCF-style: chr17-29657323-CT-C.
Other names: c.5557delT, p.Tyr1853Ilefs (NM_000267.4); short protein forms Y1853fs, Y1874fs.
Identifiers: ClinVar variation 3382014 (VCV003382014.3).

ClinVar aggregate classification (germline): Pathogenic (1 of 4 stars; one submission).

Conditions:
Café-au-lait macules with pulmonary stenosis (WTSN). Also called: PULMONIC STENOSIS WITH CAFE-AU-LAIT SPOTS. Identifiers: MedGen C0553586, MONDO:0008672, OMIM 193520.
Juvenile myelomonocytic leukemia (JMML). Also called: LEUKEMIA, JUVENILE MYELOMONOCYTIC, SOMATIC. Identifiers: Orphanet 86834, MedGen C0349639, MONDO:0011908, OMIM 607785, HP:0012209.
Neurofibromatosis-Noonan syndrome (NFNS). Also called: NEUROFIBROMATOSIS WITH NOONAN PHENOTYPE. Identifiers: Orphanet 638, MedGen C2931482, MONDO:0011035, OMIM 601321. Disease mechanism: loss of function.
Neurofibromatosis, familial spinal (FSNF). Identifiers: Orphanet 636, MedGen C1834235, MONDO:0008078, OMIM 162210. Disease mechanism: loss of function.
Neurofibromatosis, type 1 (NF1). Also called: VON RECKLINGHAUSEN DISEASE; NEUROFIBROMATOSIS, TYPE I, SOMATIC; Peripheral type neurofibromatosis; Neurofibromatosis, type I. Identifiers: Orphanet 636, MedGen C0027831, MONDO:0018975, OMIM 162200. Disease mechanism: loss of function.

Submission:

Juno Genomics, Hangzhou Juno Genomics, Inc
Classification: Pathogenic for Café-au-lait macules with pulmonary stenosis; Neurofibromatosis, type 1; Juvenile myelomonocytic leukemia; Neurofibromatosis, familial spinal; Neurofibromatosis-Noonan syndrome. Review status: criteria provided, single submitter. Criteria: ACMG Guidelines, 2015. Collection method: clinical testing. Allele origin: germline. Affected: yes.
Comment: Absent from controls (or at extremely low frequency if recessive) in Genome Aggregation Database.;Null variant in a gene where loss of function (LOF) is a known mechanism of disease.;Patient's phenotype or family history is highly specific for a disease with a single genetic etiology.